The following is an entry in ClinVar:

NM_003060.4(SLC22A5):c.1076T>C (p.Phe359Ser)

Gene: SLC22A5 (solute carrier family 22 member 5; plus strand). Cytogenetic location: 5q31.1.
Variant type: single nucleotide variant.
Coding change: c.1076T>C on transcript NM_003060.4 (MANE Select); coding-DNA position 1076, T replaced by C.
Protein change: p.Phe359Ser; replaces phenylalanine 359 with serine.
Molecular consequence: missense variant.
Genome position (GRCh38, 1-based): chr5:132,390,713, T>C. VCF-style: chr5-132390713-T-C. GRCh37 (hg19) VCF-style: chr5-131726405-T-C.
Other names: c.1148T>C, p.Phe383Ser (NM_001308122.2); short protein forms F383S, F359S.
Identifiers: ClinVar variation 2898427 (VCV002898427.3), dbSNP rs1752666631, ClinGen allele CA360807456.

ClinVar aggregate classification (germline): Uncertain significance (1 of 4 stars; one submission).

Conditions:
Renal carnitine transport defect (CDSP). Also called: Primary carnitine deficiency; Systemic primary carnitine deficiency disease; CARNITINE DEFICIENCY, SYSTEMIC, DUE TO DEFECT IN RENAL REABSORPTION OF CARNITINE; CARNITINE TRANSPORTER, PLASMA-MEMBRANE, DEFICIENCY OF; CARNITINE UPTAKE DEFECT; Systemic primary carnitine deficiency. Identifiers: Orphanet 158, MedGen C0342788, MONDO:0008919, OMIM 212140.

Allele frequency attached by ClinVar (database versions not stated): gnomAD exomes below 0.00001; TOPMed 0.00001.

Submission:

Labcorp Genetics (formerly Invitae), Labcorp
Classification: Uncertain significance for Renal carnitine transport defect. Last evaluated: 2024-10-18. Review status: criteria provided, single submitter. Criteria: Invitae Variant Classification Sherloc (09022015). Collection method: clinical testing. Allele origin: germline.
Comment: This sequence change replaces phenylalanine, which is neutral and non-polar, with serine, which is neutral and polar, at codon 359 of the SLC22A5 protein (p.Phe359Ser). This variant is not present in population databases (gnomAD no frequency). This variant has not been reported in the literature in individuals affected with SLC22A5-related conditions. Invitae Evidence Modeling of protein sequence and biophysical properties (such as structural, functional, and spatial information, amino acid conservation, physicochemical variation, residue mobility, and thermodynamic stability) indicates that this missense variant is expected to disrupt SLC22A5 protein function with a positive predictive value of 95%. In summary, the available evidence is currently insufficient to determine the role of this variant in disease. Therefore, it has been classified as a Variant of Uncertain Significance.